The following is an entry in ClinVar:

ClinVar aggregate classification (germline): Conflicting classifications of pathogenicity. Review status: criteria provided, conflicting classifications (1 of 4 stars). 5 submissions from 5 submitters: Uncertain significance (1); Benign (1); Likely benign (3). Last evaluated 2026-06-01.

Conditions:
Lethal left ventricular non-compaction-seizures-hypotonia-cataract-developmental delay syndrome. Also called: Combined oxidative phosphorylation deficiency 31. Identifiers: Orphanet 478049, MedGen C4310661, MONDO:0014976, OMIM 617228.
MIPEP-related disorder. Also called: MIPEP-related condition.

Allele frequency attached by ClinVar (database versions not stated): 1000 Genomes Project 0.00020; 1000 Genomes Project 30x 0.00031; gnomAD 0.00031 and 0.00043; TOPMed 0.00036; ESP Exome Variant Server 0.00077; gnomAD exomes 0.00077 and 0.00088; ExAC 0.00101.
gnomAD v4.1: 1,187 of 1,613,472 alleles (0.074%); highest among the groups gnomAD compares: South Asian, 0.41%; 8 homozygotes.

Submissions (5):

CeGaT Center for Human Genetics Tuebingen
Classification: Likely benign. Last evaluated: 2026-06-01. Review status: criteria provided, single submitter. Criteria: CeGaT Center For Human Genetics Tuebingen Variant Classification Criteria Version 2. Collection method: clinical testing. Allele origin: germline. Affected: yes. Observed: 2 variant alleles.
Comment: MIPEP: BS2

PreventionGenetics, part of Exact Sciences
Classification: Likely benign for MIPEP-related condition. Last evaluated: 2026-04-07. Review status: criteria provided, single submitter. Criteria: ACMG Guidelines, 2015. Collection method: clinical testing. Allele origin: germline.
Comment: This variant is classified as likely benign based on ACMG/AMP sequence variant interpretation guidelines (Richards et al. 2015 PMID: 25741868, with internal and published modifications).

Labcorp Genetics (formerly Invitae), Labcorp
Classification: Benign. Last evaluated: 2026-01-06. Review status: criteria provided, single submitter. Criteria: Invitae Variant Classification Sherloc (09022015). Collection method: clinical testing. Allele origin: germline.

Blueprint Genetics
Classification: Likely benign. Last evaluated: 2024-11-26. Review status: criteria provided, single submitter. Criteria: ACMG Guidelines, 2015. Collection method: clinical testing. Allele origin: germline.

Genomic Research Center, Shahid Beheshti University of Medical Sciences
Classification: Uncertain significance for Combined oxidative phosphorylation deficiency 31. Last evaluated: 2019-01-01. Review status: criteria provided, single submitter. Criteria: ACMG Guidelines, 2015. Collection method: clinical testing. Allele origin: inherited. Affected: yes. Observed: 1 variant allele.

NM_005932.4(MIPEP):c.1670T>C (p.Met557Thr)

Gene: MIPEP (mitochondrial intermediate peptidase; minus strand). Cytogenetic location: 13q12.12.
Variant type: single nucleotide variant.
Coding change: c.1670T>C on transcript NM_005932.4 (MANE Select); coding-DNA position 1670, T replaced by C.
Protein change: p.Met557Thr; replaces methionine 557 with threonine.
Molecular consequence: missense variant.
Genome position (GRCh38, 1-based): chr13:23,809,908, A>G on the plus strand (T>C on the coding strand, the complement: MIPEP is on the minus strand). VCF-style: chr13-23809908-A-G. GRCh37 (hg19) VCF-style: chr13-24384047-A-G.
Other names: short protein forms M557T.
Identifiers: ClinVar variation 634482 (VCV000634482.19), dbSNP rs139684349, ClinGen allele CA6912898.
Genomic context (GRCh38, chr13:23,809,908, plus strand): 5'-ACCTGAAGTTGCATATCAGCTGCAGCACAAACCTTTTTAGATTCACAAAGACGAGACACC[A>G]TATTTTTTGGCAGTGGCTTGATAAAACAAAAGAATATATATGTGAGTAAACTGCGTAATA-3'
Protein context (NP_005923.3, residues 547-567): YQTGQPLPKN[Met557Thr]VSRLCESKKV